The following is an entry in ClinVar:

ClinVar aggregate classification (germline): Likely benign. Review status: criteria provided, multiple submitters, no conflicts (2 of 4 stars). 2 submissions from 2 submitters: Likely benign (2). Last evaluated 2024-10-01.

Allele frequency attached by ClinVar (database versions not stated): gnomAD exomes 0.00017; ExAC 0.00022; 1000 Genomes Project 0.00040; gnomAD 0.00040; TOPMed 0.00053; 1000 Genomes Project 30x 0.00078; ESP Exome Variant Server 0.00099.
gnomAD v4.1: 253 of 1,613,758 alleles (0.016%); highest among the groups gnomAD compares: African/African-American, 0.085%; no homozygotes.

Submissions (2):

CeGaT Center for Human Genetics Tuebingen
Classification: Likely benign. Last evaluated: 2024-10-01. Review status: criteria provided, single submitter. Criteria: CeGaT Center For Human Genetics Tuebingen Variant Classification Criteria Version 2. Collection method: clinical testing. Allele origin: germline. Affected: yes. Observed: 1 variant allele.
Comment: HMGA2: BP4, BP7

Labcorp Genetics (formerly Invitae), Labcorp
Classification: Likely benign. Last evaluated: 2019-12-31. Review status: criteria provided, single submitter. Criteria: Invitae Variant Classification Sherloc (09022015). Collection method: clinical testing. Allele origin: germline.

NM_003483.6(HMGA2):c.315T>C (p.Ser105=)

Gene: HMGA2 (high mobility group AT-hook 2; plus strand). Cytogenetic location: 12q14.3.
Variant type: single nucleotide variant.
Coding change: c.315T>C on transcript NM_003483.6 (MANE Select); coding-DNA position 315, T replaced by C.
Protein change: p.Ser105=; no amino-acid change (serine 105 retained).
Molecular consequence: synonymous variant.
Genome position (GRCh38, 1-based): chr12:65,963,277, T>C. VCF-style: chr12-65963277-T-C. GRCh37 (hg19) VCF-style: chr12-66357057-T-C.
Identifiers: ClinVar variation 726798 (VCV000726798.18), dbSNP rs201860923, ClinGen allele CA6671926.
Genomic context (GRCh38, chr12:65,963,277, plus strand): 5'-TCATGGCTGTGCCCTTTGTGTGTTCCAGGAGGAAACTGAAGAGACATCCTCACAAGAGTC[T>C]GCCGAAGAGGACTAGGGGGCGCCAACGTTCGATTTCTACCTCAGCAGCAGTTGGATCTTT-3'
Protein context (NP_003474.1, residues 95-109): EETEETSSQE[Ser105=]AEED